The following is an entry in ClinVar:

ClinVar aggregate classification (germline): Conflicting classifications of pathogenicity. Review status: criteria provided, conflicting classifications (1 of 4 stars). 2 submissions from 2 submitters: Likely pathogenic (1); Uncertain significance (1). Last evaluated 2025-06-18.

Conditions:
TH-deficient dopa-responsive dystonia. Also called: Tyrosine Hydroxylase-Deficient Dopa-Responsive Dystonia; Segawa syndrome, autosomal recessive; DYT-TH. Identifiers: Orphanet 101150, MedGen C2673535, MONDO:0011551, OMIM 605407.
TH-related disorder. Also called: TH-related condition.

gnomAD v4.1: 1 of 1,612,612 alleles (0.000062%); highest among the groups gnomAD compares: East Asian, 0.0022%; no homozygotes.

Submissions (2):

PreventionGenetics, part of Exact Sciences
Classification: Likely pathogenic for TH-related condition. Last evaluated: 2025-06-18. Review status: criteria provided, single submitter. Criteria: ACMG Guidelines, 2015. Collection method: clinical testing. Allele origin: germline.
Comment: The TH c.1264G>C variant is predicted to result in the amino acid substitution p.Gly422Arg. In a functional study, this variant has been shown to have a significantly shorter half-life compared to wildtype, indicating much lower protein stability (Jung-Klawitter et al. 2024. PubMed ID: 38084654). The variants analyzed in this study were presumably from a cohort of patients with tyrosine hydroxylase (TH) deficiency; however, further clinical information was not specified for the p.Gly422Arg variant (Jung-Klawitter et al. 2024. PubMed ID: 38084654). This variant is reported in 0.064% of alleles (one allele) in an individual of East Asian descent. This variant is interpreted as likely pathogenic.

Labcorp Genetics (formerly Invitae), Labcorp
Classification: Uncertain significance for TH-deficient dopa-responsive dystonia. Last evaluated: 2022-02-10. Review status: criteria provided, single submitter. Criteria: Invitae Variant Classification Sherloc (09022015). Collection method: clinical testing. Allele origin: germline.
Comment: This sequence change replaces glycine, which is neutral and non-polar, with arginine, which is basic and polar, at codon 422 of the TH protein (p.Gly422Arg). This variant is present in population databases (no rsID available, gnomAD 0.06%). This variant has not been reported in the literature in individuals affected with TH-related conditions. Advanced modeling of protein sequence and biophysical properties (such as structural, functional, and spatial information, amino acid conservation, physicochemical variation, residue mobility, and thermodynamic stability) performed at Invitae indicates that this missense variant is expected to disrupt TH protein function. In summary, the available evidence is currently insufficient to determine the role of this variant in disease. Therefore, it has been classified as a Variant of Uncertain Significance.

NM_000360.4(TH):c.1171G>C (p.Gly391Arg)

Gene: TH (tyrosine hydroxylase; minus strand). Cytogenetic location: 11p15.5.
Variant type: single nucleotide variant.
Coding change: c.1171G>C on transcript NM_000360.4 (MANE Select); coding-DNA position 1171, G replaced by C.
Protein change: p.Gly391Arg; replaces glycine 391 with arginine.
Molecular consequence: missense variant.
Genome position (GRCh38, 1-based): chr11:2,165,697, C>G on the plus strand (G>C on the coding strand, the complement: TH is on the minus strand). VCF-style: chr11-2165697-C-G. GRCh37 (hg19) VCF-style: chr11-2186927-C-G.
Other names: c.1264G>C, p.Gly422Arg (NM_199292.3); c.1252G>C, p.Gly418Arg (NM_199293.3); c.1264G>C (NM_199292.2); short protein forms G418R, G391R, G422R.
Identifiers: ClinVar variation 1427110 (VCV001427110.7), dbSNP rs1243080287, ClinGen allele CA379125635.